The following is an entry in ClinVar:

ClinVar aggregate classification (germline): Pathogenic. Review status: reviewed by expert panel (3 of 4 stars). 2 submissions from 2 submitters: Pathogenic (1). 1 of the submissions does not count toward it. Last evaluated 2016-10-18.

Conditions:
Breast-ovarian cancer, familial, susceptibility to, 1 (BROVCA1). Also called: BRCA1 Hereditary Breast and Ovarian Cancer; OVARIAN CANCER, SUSCEPTIBILITY TO. Identifiers: Orphanet 145, MedGen C2676676, MONDO:0011450, OMIM 604370. Disease mechanism: loss of function.

Submissions (3):

Evidence-based Network for the Interpretation of Germline Mutant Alleles (ENIGMA)
Classification: Pathogenic for Breast-ovarian cancer, familial, susceptibility to, 1. Last evaluated: 2016-10-18. Review status: reviewed by expert panel. Criteria: ENIGMA BRCA1/2 Classification Criteria (2015). Collection method: curation. Allele origin: germline.
Comment: Variant allele predicted to encode a truncated non-functional protein.

Consortium of Investigators of Modifiers of BRCA1/2 (CIMBA), c/o University of Cambridge
Classification: Pathogenic for Breast-ovarian cancer, familial, susceptibility to, 1. Last evaluated: 2015-10-02. Review status: criteria provided, single submitter. Criteria: CIMBA Mutation Classification guidelines May 2016. Collection method: clinical testing. Allele origin: germline. Not counted in ClinVar's aggregate classification.

Brotman Baty Institute, University of Washington
No classification provided (evidence only). Condition: Breast-ovarian cancer, familial 1. Review status: no classification provided. Collection method: in vitro. Allele origin: not applicable. Functional consequence: functionally_abnormal. Not counted in ClinVar's aggregate classification.
ClinVar note: "not provided" was previously submitted as the classification for the variant. However, the classification appeared to be based only on an observation of functional data so it was converted to no classification on 2025-07-30.

NM_007294.4(BRCA1):c.5027T>A (p.Leu1676Ter)

Gene: BRCA1 (BRCA1 DNA repair associated; minus strand). Cytogenetic location: 17q21.31.
Variant type: single nucleotide variant.
Coding change: c.5027T>A on transcript NM_007294.4 (MANE Select); coding-DNA position 5027, T replaced by A.
Protein change: p.Leu1676Ter; replaces leucine 1676 with a stop codon.
Molecular consequence: nonsense. On other transcripts: non-coding transcript variant (1).
Genome position (GRCh38, 1-based): chr17:43,067,655, A>T on the plus strand (T>A on the coding strand, the complement: BRCA1 is on the minus strand). VCF-style: chr17-43067655-A-T. GRCh37 (hg19) VCF-style: chr17-41219672-A-T.
Other names: 5146T>A; c.4814T>A, p.Leu1605Ter (NM_001407571.1, NM_001407894.1, NM_001407895.1 and 12 more transcripts); c.5093T>A, p.Leu1698Ter (NM_001407581.1, NM_001407582.1); c.5090T>A, p.Leu1697Ter (NM_001407583.1, NM_001407585.1, NM_001407587.1 and 1 more transcripts); c.5087T>A, p.Leu1696Ter (NM_001407590.1, NM_001407591.1); c.5027T>A, p.Leu1676Ter (NM_001407593.1, NM_001407594.1, NM_001407596.1 and 8 more transcripts); c.5024T>A, p.Leu1675Ter (NM_001407617.1, NM_001407618.1, NM_001407619.1 and 17 more transcripts); c.5021T>A, p.Leu1674Ter (NM_001407636.1, NM_001407637.1, NM_001407638.1 and 14 more transcripts); and 71 more; short protein forms L1676*, L1629*, L1697*, L572*, L1380*, L1547*, L1563*, L1565*.
Identifiers: ClinVar variation 266513 (VCV000266513.8), dbSNP rs786203754, ClinGen allele CA10589629.